The following is an entry in ClinVar:

NM_000352.6(ABCC8):c.2709G>A (p.Lys903=)

Gene: ABCC8 (ATP binding cassette subfamily C member 8; minus strand). Cytogenetic location: 11p15.1.
Variant type: single nucleotide variant.
Coding change: c.2709G>A on transcript NM_000352.6 (MANE Select); coding-DNA position 2709, G replaced by A.
Protein change: p.Lys903=; no amino-acid change (lysine 903 retained).
Molecular consequence: synonymous variant. On other transcripts: non-coding transcript variant (1).
Genome position (GRCh38, 1-based): chr11:17,408,503, C>T on the plus strand (G>A on the coding strand, the complement: ABCC8 is on the minus strand). VCF-style: chr11-17408503-C-T. GRCh37 (hg19) VCF-style: chr11-17430050-C-T.
Other names: c.2712G>A, p.Lys904= (NM_001287174.3); c.2775G>A, p.Lys925= (NM_001351295.2); c.2709G>A, p.Lys903= (NM_001351296.2); c.2706G>A, p.Lys902= (NM_001351297.2).
Identifiers: ClinVar variation 793770 (VCV000793770.9), dbSNP rs1591749128, ClinGen allele CA473300646.

ClinVar aggregate classification (germline): Conflicting classifications of pathogenicity. Review status: criteria provided, conflicting classifications (1 of 4 stars). 3 submissions from 2 submitters: Uncertain significance (2); Likely benign (1). Last evaluated 2018-10-24.

Conditions:
Transitory neonatal diabetes mellitus. Also called: Transient neonatal diabetes mellitus. Identifiers: MedGen C0342273, MONDO:0020525, HP:0008255.
Maturity-onset diabetes of the young (MODY). Also called: Maturity onset diabetes mellitus in young. Identifiers: Orphanet 552, MedGen C0342276, MONDO:0018911, HP:0004904.

Allele frequency attached by ClinVar (database versions not stated): TOPMed 0.00001.

Submissions (3):

Labcorp Genetics (formerly Invitae), Labcorp
Classification: Likely benign. Last evaluated: 2018-10-24. Review status: criteria provided, single submitter. Criteria: Invitae Variant Classification Sherloc (09022015). Collection method: clinical testing. Allele origin: germline.

Clinical Genomics, Uppaluri K&H Personalized Medicine Clinic
Classification: Uncertain significance for Maturity-onset diabetes of the young. Review status: criteria provided, single submitter. Criteria: K & H Uppaluri Personalized Medicine Clinic Variant Classification & Assertion Criteria_Updated V.1. Collection method: research. Allele origin: unknown. Inheritance: Somatic mutation.
Comment: Mutations in ABCC8 gene are associated with both neonatal diabetes mellitus as well as MODY. Patients with this mutation may have a better response to sulfonylureas. However, no sufficient evidence is found to ascertain the role of this particular variant ( rs1591749128) in MODY yet.

Clinical Genomics, Uppaluri K&H Personalized Medicine Clinic
Classification: Uncertain significance for Transitory neonatal diabetes mellitus. Review status: criteria provided, single submitter. Criteria: K & H Uppaluri Personalized Medicine Clinic Variant Classification & Assertion Criteria_Updated V.1. Collection method: research. Allele origin: unknown. Inheritance: Somatic mutation.
Comment: Mutations in ABCC8 gene are associated with both neonatal diabetes mellitus as well as MODY. Patients with this mutation may have a better response to sulfonylureas. However, no sufficient evidence is found to ascertain the role of this particular variant (rs1591749128) in neonatal diabetes yet.

Literature cited by the submitters: PubMed 16885549 (cited by Clinical Genomics, Uppaluri K&H Personalized Medicine Clinic); PubMed 21989597 (cited by Clinical Genomics, Uppaluri K&H Personalized Medicine Clinic); PubMed 27538677 (cited by Clinical Genomics, Uppaluri K&H Personalized Medicine Clinic); PubMed 18981553 (cited by Clinical Genomics, Uppaluri K&H Personalized Medicine Clinic); PubMed 32027066 (cited by Clinical Genomics, Uppaluri K&H Personalized Medicine Clinic); PubMed 16613899 (cited by Clinical Genomics, Uppaluri K&H Personalized Medicine Clinic); PubMed 18025408 (cited by Clinical Genomics, Uppaluri K&H Personalized Medicine Clinic); PubMed 32792356 (cited by Clinical Genomics, Uppaluri K&H Personalized Medicine Clinic).